The following is an entry in ClinVar:

ClinVar aggregate classification (germline): Uncertain significance (1 of 4 stars; one submission).

Conditions:
Mucopolysaccharidosis type 1. Also called: IDUA deficiency; MPS I; Mucopolysaccharidosis Type I. Identifiers: Orphanet 579, MedGen C0023786, MONDO:0001586.

Submission:

Labcorp Genetics (formerly Invitae), Labcorp
Classification: Uncertain significance for Mucopolysaccharidosis type 1. Last evaluated: 2024-12-03. Review status: criteria provided, single submitter. Criteria: Invitae Variant Classification Sherloc (09022015). Collection method: clinical testing. Allele origin: germline.
Comment: This sequence change results in a frameshift in the IDUA gene (p.Leu639Valfs*21). While this is not anticipated to result in nonsense mediated decay, it is expected to disrupt the last 15 amino acid(s) of the IDUA protein and extend the protein by 5 additional amino acid residues. This variant is not present in population databases (gnomAD no frequency). This variant has not been reported in the literature in individuals affected with IDUA-related conditions. Experimental studies and prediction algorithms are not available or were not evaluated, and the functional significance of this variant is currently unknown. Algorithms developed to predict the effect of sequence changes on RNA splicing suggest that this variant may create or strengthen a splice site. In summary, the available evidence is currently insufficient to determine the role of this variant in disease. Therefore, it has been classified as a Variant of Uncertain Significance.

NM_000203.5(IDUA):c.1911_1914dup (p.Leu639fs)

Gene: IDUA (alpha-L-iduronidase; plus strand). Cytogenetic location: 4p16.3.
Variant type: Duplication.
Coding change: c.1911_1914dup on transcript NM_000203.5 (MANE Select); coding-DNA positions 1911 to 1914, 4 bases duplicated (GTAC; older notation c.1911_1914dupGTAC).
Protein change: p.Leu639fs; shifts the reading frame from leucine 639.
Molecular consequence: frameshift variant. On other transcripts: non-coding transcript variant (1).
Genome position (GRCh38, 1-based): chr4:1,004,342-1,004,345, GTAC duplicated; duplicating any 4 consecutive bases within chr4:1,004,341-1,004,345 gives the same sequence; the c. name uses the placement nearest the transcript's 3' end. VCF-style (leftmost placement, unchanged base first): chr4-1004340-C-CCGTA. GRCh37 (hg19) VCF-style: chr4-998128-C-CCGTA.
Other names: c.1515_1518dup, p.Leu507fs (NM_001363576.1); short protein forms L507fs, L639fs.
Identifiers: ClinVar variation 3687743 (VCV003687743.2).